The following is an entry in ClinVar:

NM_014976.2(PDCD11):c.2095G>A (p.Glu699Lys)

Gene: PDCD11 (programmed cell death 11; plus strand). Cytogenetic location: 10q24.33.
Variant type: single nucleotide variant.
Coding change: c.2095G>A on transcript NM_014976.2 (MANE Select); coding-DNA position 2095, G replaced by A.
Protein change: p.Glu699Lys; replaces glutamic acid 699 with lysine.
Molecular consequence: missense variant.
Genome position (GRCh38, 1-based): chr10:103,418,623, G>A. VCF-style: chr10-103418623-G-A. GRCh37 (hg19) VCF-style: chr10-105178380-G-A.
Other names: c.2095G>A, p.Glu699Lys (NM_001411058.1); short protein forms E699K.
Identifiers: ClinVar variation 2640804 (VCV002640804.24), dbSNP rs61751510, ClinGen allele CA5673153.

ClinVar aggregate classification (germline): Likely benign (1 of 4 stars; one submission).

Allele frequency attached by ClinVar (database versions not stated): 1000 Genomes Project 30x 0.00219; 1000 Genomes Project 0.00220; TOPMed 0.00487; ESP Exome Variant Server 0.00507; ExAC 0.00518; gnomAD 0.00538; gnomAD exomes 0.00645.
gnomAD v4.1: 10,213 of 1,613,786 alleles (0.63%); highest among the groups gnomAD compares: Non-Finnish European, 0.72%; 58 homozygotes.

Submission:

CeGaT Center for Human Genetics Tuebingen
Classification: Likely benign. Last evaluated: 2023-03-01. Review status: criteria provided, single submitter. Criteria: CeGaT Center For Human Genetics Tuebingen Variant Classification Criteria Version 2. Collection method: clinical testing. Allele origin: germline. Affected: yes. Observed: 1 variant allele.
Comment: PDCD11: BP4, BS2